The following is an entry in ClinVar:

NM_007194.4(CHEK2):c.1007del (p.Gln336fs)

Gene: CHEK2 (checkpoint kinase 2; minus strand). Cytogenetic location: 22q12.1.
Variant type: Deletion.
Coding change: c.1007del on transcript NM_007194.4 (MANE Select); coding-DNA position 1007, one base deleted (A; older notation c.1007delA).
Protein change: p.Gln336fs; shifts the reading frame from glutamine 336.
Molecular consequence: frameshift variant.
Genome position (GRCh38, 1-based): chr22:28,699,839, T deleted on the plus strand (A on the coding strand, the reverse complement: CHEK2 is on the minus strand). VCF-style (leftmost placement, unchanged base first): chr22-28699838-CT-C. GRCh37 (hg19) VCF-style: chr22-29095826-CT-C.
Other names: c.1007delA (NM_007194.3); c.1136delA, p.Gln379Argfs (NM_001005735.3); c.344delA, p.Gln115Argfs (NM_001257387.3); c.806delA, p.Gln269Argfs (NM_001349956.3); c.1007delA, p.Gln336Argfs (NM_145862.3); short protein forms Q115fs, Q336fs, Q379fs, Q269fs.
Identifiers: ClinVar variation 573177 (VCV000573177.11), dbSNP rs1569120831, ClinGen allele CA891844291.

ClinVar aggregate classification (germline): Pathogenic. Review status: criteria provided, multiple submitters, no conflicts (2 of 4 stars). 4 submissions from 4 submitters: Pathogenic (4). Last evaluated 2024-12-16.

Conditions:
Familial cancer of breast. Also called: hereditary breast carcinoma; BREAST CANCER, FAMILIAL; Hereditary breast cancer. Identifiers: Orphanet 227535, MedGen C0346153, MONDO:0016419, OMIM 114480. Disease mechanism: loss of function.
Hereditary cancer-predisposing syndrome. Also called: Neoplastic Syndromes, Hereditary; Hereditary Cancer Syndrome; Tumor predisposition; Hereditary neoplastic syndrome. Identifiers: Orphanet 140162, MedGen C0027672, MeSH D009386, MONDO:0015356.

Submissions (4):

Ambry Genetics
Classification: Pathogenic for Hereditary cancer-predisposing syndrome. Last evaluated: 2024-12-16. Review status: criteria provided, single submitter. Criteria: Ambry Variant Classification Scheme 2023. Collection method: clinical testing. Allele origin: germline.
Comment: The c.1007delA pathogenic mutation, located in coding exon 8 of the CHEK2 gene, results from a deletion of one nucleotide at nucleotide position 1007, causing a translational frameshift with a predicted alternate stop codon (p.Q336Rfs*13). This variant is considered to be rare based on population cohorts in the Genome Aggregation Database (gnomAD). This alteration is expected to result in loss of function by premature protein truncation or nonsense-mediated mRNA decay. As such, this alteration is interpreted as a disease-causing mutation.

Labcorp Genetics (formerly Invitae), Labcorp
Classification: Pathogenic for Familial cancer of breast. Last evaluated: 2024-10-29. Review status: criteria provided, single submitter. Criteria: Invitae Variant Classification Sherloc (09022015). Collection method: clinical testing. Allele origin: germline.
Comment: This sequence change creates a premature translational stop signal (p.Gln336Argfs*13) in the CHEK2 gene. It is expected to result in an absent or disrupted protein product. Loss-of-function variants in CHEK2 are known to be pathogenic (PMID: 21876083, 24713400). This variant is not present in population databases (gnomAD no frequency). This variant has not been reported in the literature in individuals affected with CHEK2-related conditions. ClinVar contains an entry for this variant (Variation ID: 573177). RNA analysis performed to evaluate the impact of this premature translational stop signal on mRNA splicing indicates it does not significantly alter splicing (internal data). For these reasons, this variant has been classified as Pathogenic.

GeneDx
Classification: Pathogenic. Last evaluated: 2023-08-01. Review status: criteria provided, single submitter. Criteria: GeneDx Variant Classification Process June 2021. Collection method: clinical testing. Allele origin: germline. Affected: yes.
Comment: Frameshift variant predicted to result in protein truncation or nonsense mediated decay in a gene for which loss-of-function is a known mechanism of disease; Not observed at significant frequency in large population cohorts (gnomAD); Has not been previously published as pathogenic or benign to our knowledge

Myriad Genetics, Inc.
Classification: Pathogenic for Familial cancer of breast. Last evaluated: 2023-06-27. Review status: criteria provided, single submitter. Criteria: Myriad Autosomal Dominant, Autosomal Recessive and X-Linked Classification Criteria (2023). Collection method: clinical testing. Allele origin: unknown.
Comment: This variant is considered pathogenic. This variant creates a frameshift predicted to result in premature protein truncation.

Literature cited by the submitters: PubMed 21876083 (cited by Labcorp Genetics (formerly Invitae), Labcorp); PubMed 24713400 (cited by Labcorp Genetics (formerly Invitae), Labcorp).